The following is an entry in ClinVar:

NM_000256.3(MYBPC3):c.814C>T (p.Arg272Cys)

Gene: MYBPC3 (myosin binding protein C3; minus strand). Cytogenetic location: 11p11.2.
Variant type: single nucleotide variant.
Coding change: c.814C>T on transcript NM_000256.3 (MANE Select); coding-DNA position 814, C replaced by T.
Protein change: p.Arg272Cys; replaces arginine 272 with cysteine.
Molecular consequence: missense variant.
Genome position (GRCh38, 1-based): chr11:47,347,864, G>A on the plus strand (C>T on the coding strand, the complement: MYBPC3 is on the minus strand). VCF-style: chr11-47347864-G-A. GRCh37 (hg19) VCF-style: chr11-47369415-G-A.
Other names: short protein forms R272C.
Identifiers: ClinVar variation 42794 (VCV000042794.31), dbSNP rs397516075, ClinGen allele CA015867.

ClinVar aggregate classification (germline): Uncertain significance. Review status: criteria provided, multiple submitters, no conflicts (2 of 4 stars). 11 submissions from 11 submitters: Uncertain significance (11). Last evaluated 2026-06-22.

Conditions:
MYBPC3-related disorder. Also called: MYBPC3-related disorders; MYBPC3-related condition; MYBPC3-related disease.
Cardiovascular phenotype. Identifiers: MedGen CN230736.
Long QT syndrome (LQTS). Identifiers: MedGen C0023976, MeSH D008133, MONDO:0002442. Disease mechanism: loss of function. Inheritance: Various modes of inheritance.
Cardiomyopathy (CMYO). Also called: Cardiomyopathies. Identifiers: Orphanet 167848, MedGen C0878544, MONDO:0004994, HP:0001638. Inheritance: Various modes of inheritance.
Primary dilated cardiomyopathy (DCM). Also called: Dilated Cardiomyopathy. Identifiers: Orphanet 217604, MedGen C0007193, MeSH D002311, MONDO:0005021, HP:0001644. Inheritance: Various modes of inheritance.
Hypertrophic cardiomyopathy 4. Also called: Familial hypertrophic cardiomyopathy 4. Identifiers: MedGen C1861862, MONDO:0007268, OMIM 115197.
Hypertrophic cardiomyopathy. Also called: HYPERTROPHIC MYOCARDIOPATHY. Identifiers: Orphanet 217569, MedGen C0007194, MeSH D002312, MONDO:0005045, HP:0001639.

Allele frequency attached by ClinVar (database versions not stated): gnomAD exomes 0.00005; gnomAD 0.00007; TOPMed 0.00007; ExAC 0.00008.
gnomAD v4.1: 106 of 1,567,620 alleles (0.0068%); highest among the groups gnomAD compares: Non-Finnish European, 0.0086%; 1 homozygote.

Submissions (11):

PreventionGenetics, part of Exact Sciences
Classification: Uncertain significance for MYBPC3-related condition. Last evaluated: 2026-06-22. Review status: criteria provided, single submitter. Criteria: ACMG Guidelines, 2015. Collection method: clinical testing. Allele origin: germline.
Comment: The MYBPC3 c.814C>T variant is predicted to result in the amino acid substitution p.Arg272Cys. This variant has been reported in multiple individuals with cardiomyopathies (see for example, Zeller et al. 2006. PubMed ID: 16715312; Hershberger et al. 2010. PubMed ID: 20215591; Table S1B, Walsh et al. 2016. PubMed ID: 27532257; Rani et al. 2023.PubMed ID: 37750083), but segregation data is limited (Ehlermann et al. 2008. PubMed ID: 18957093; Morales et al. 2010. PubMed ID: 20458009). An experimental study suggests that the variant significantly decreases phosphorylation compared to wildtype (Ehlermann et al. 2008. PubMed ID: 18957093). This variant is reported in 0.0078% of alleles in individuals of European (non-Finnish) descent in gnomAD. Although we suspect this variant is pathogenic for an increased risk for autosomal dominant cardiomyopathies, at this time, the clinical significance of this variant is uncertain due to the absence of conclusive functional and genetic evidence.

Ambry Genetics
Classification: Uncertain significance for Cardiovascular phenotype. Last evaluated: 2025-01-22. Review status: criteria provided, single submitter. Criteria: Ambry Variant Classification Scheme 2023. Collection method: clinical testing. Allele origin: germline.

Labcorp Genetics (formerly Invitae), Labcorp
Classification: Uncertain significance for Hypertrophic cardiomyopathy. Last evaluated: 2025-01-06. Review status: criteria provided, single submitter. Criteria: Invitae Variant Classification Sherloc (09022015). Collection method: clinical testing. Allele origin: germline.
Comment: This sequence change replaces arginine, which is basic and polar, with cysteine, which is neutral and slightly polar, at codon 272 of the MYBPC3 protein (p.Arg272Cys). The frequency data for this variant in the population databases is considered unreliable, as metrics indicate poor data quality at this position in the gnomAD database. This missense change has been observed in individuals with dilated cardiomyopathy (DCM), peripartum cardiomyopathy, or hypertrophic cardiomyopathy (HCM) (PMID: 16715312, 20458009, 20624503, 20800588, 23140321, 27532257, 28771489, 37652022). ClinVar contains an entry for this variant (Variation ID: 42794). An algorithm developed to predict the effect of missense changes on protein structure and function (PolyPhen-2) suggests that this variant is likely to be disruptive. Experimental studies are conflicting or provide insufficient evidence to determine the effect of this variant on MYBPC3 function (PMID: 18957093). In summary, the available evidence is currently insufficient to determine the role of this variant in disease. Therefore, it has been classified as a Variant of Uncertain Significance.

Blueprint Genetics
Classification: Uncertain significance. Last evaluated: 2024-09-24. Review status: criteria provided, single submitter. Criteria: ACMG Guidelines, 2015. Collection method: clinical testing. Allele origin: germline.

All of Us Research Program, National Institutes of Health
Classification: Uncertain significance for Hypertrophic cardiomyopathy. Last evaluated: 2024-02-05. Review status: criteria provided, single submitter. Criteria: ACMG Guidelines, 2015. Collection method: clinical testing. Allele origin: germline. Inheritance: Autosomal dominant inheritance. Observed: 18 variant alleles, 18 heterozygotes.
Comment: This missense variant replaces arginine with cysteine at codon 272 of the MYBPC3 protein. Computational prediction is inconclusive regarding the impact of this variant on protein structure and function (internally defined REVEL score threshold 0.5 < inconclusive < 0.7, PMID: 27666373). An experimental study has suggested that this variant may affect phosphorylation of the MyBP-C motif (PMID: 18957093). This variant has been reported in an individual affected with dilated cardiomyopathy (PMID: 16715312), in an individual affected with peripartum cardiomyopathy (PMID: 20458009), and in four individuals affected with hypertrophic cardiomyopathy (PMID: 20624503, 27532257, 28771489). One of these individuals also carried a pathogenic p.Arg302Gln variant in the PRKAG2 gene, suggesting that this MYBPC3 variant may not have been the primary cause of disease in that individual (PMID: 28771489). This variant has been identified in 9/208346 chromosomes in the general population by the Genome Aggregation Database (gnomAD). The available evidence is insufficient to determine the role of this variant in disease conclusively. Therefore, this variant is classified as a Variant of Uncertain Significance.

This study involves interpretation of variants in research participants for the purpose of population health screening. Participant phenotype was not available at the time of variant classification. Additional details can be found in publication PMID: 35346344, PMCID: PMC8962531

Color Diagnostics, LLC DBA Color Health
Classification: Uncertain significance for Cardiomyopathy. Last evaluated: 2023-11-27. Review status: criteria provided, single submitter. Criteria: ACMG Guidelines, 2015. Collection method: clinical testing. Allele origin: germline.
Comment: This missense variant replaces arginine with cysteine at codon 272 of the MYBPC3 protein. Computational prediction tool indicates this variant may have an uncertain impact on protein structure and function. An experimental study has suggested that this variant may affect phosphorylation of the MyBP-C motif (PMID: 18957093). This variant has been reported in an individual affected with dilated cardiomyopathy (PMID: 16715312), in an individual affected with peripartum cardiomyopathy (PMID: 20458009), and in four individuals affected with hypertrophic cardiomyopathy (PMID: 20624503, 27532257, 28771489). One of these individuals also carried a pathogenic p.Arg302Gln variant in the PRKAG2 gene, suggesting that this MYBPC3 variant may not have been the primary cause of disease in that individual (PMID: 28771489). This variant has been identified in 9/208346 chromosomes in the general population by the Genome Aggregation Database (gnomAD). The available evidence is insufficient to determine the role of this variant in disease conclusively. Therefore, this variant is classified as a Variant of Uncertain Significance.

GeneDx
Classification: Uncertain significance. Last evaluated: 2023-11-13. Review status: criteria provided, single submitter. Criteria: GeneDx Variant Classification Process June 2021. Collection method: clinical testing. Allele origin: germline. Affected: yes.
Comment: The p.(R272C) variant has been reported previously in association with DCM, HCM, and in one case of peri-partum cardiomyopathy (PMID: 16715312, 18957093, 20215591, 20458009, 20624503, 23140321); however, informative segregation and functional data were not provided.; In silico analysis supports that this missense variant has a deleterious effect on protein structure/function; This variant is associated with the following publications: (PMID: 27896284, 20458009, 28771489, 23140321, 27532257, 22337857, 20215591, 20624503, 18957093, 29687901, 20800588, 16715312)

3billion
Classification: Uncertain significance for Hypertrophic cardiomyopathy 4. Last evaluated: 2023-10-17. Review status: criteria provided, single submitter. Criteria: ACMG Guidelines, 2015. Collection method: clinical testing. Allele origin: germline. Affected: yes.
Comment: The variant is observed at an extremely low frequency in the gnomAD v2.1.1 dataset (total allele frequency: 0.004%). Predicted Consequence/Location: Missense variant Same nucleotide change resulting in same amino acid change has been previously reported to be associated with MYBPC3-related disorder (PMID: 16715312, 27532257). However, the evidence of pathogenicity is insufficient at this time. Therefore, this variant is classified as VUS according to the recommendation of ACMG/AMP guideline.

Laboratory for Molecular Medicine, Mass General Brigham Personalized Medicine
Classification: Uncertain significance. Last evaluated: 2020-04-01. Review status: criteria provided, single submitter. Criteria: LMM Criteria. Collection method: clinical testing. Allele origin: germline. Observed: 3 variant alleles.
Comment: The p.Arg272Cys variant in MYBPC3 has been reported in 5 individuals with hypertrophic cardiomyopathy (HCM) and in at least 3 individuals with dilated cardiomyopathy (DCM) as well as 1 possibly affected family member with DCM (Zeller 2006 PMID:16715312, Ehlermann 2008 PMID:18957093, Hershberger PMID:20215591, Millat 2010 PMID:20624503, Morales 2010 PMID: 20458009, Terilinck PMID:23140321, Walsh 2017 PMID: 27532257, Mademonet-Soler PMID:28771489, LMM data). This variant has also been reported by other clinical laboratories in ClinVar (Variation ID 42794) and has been identified in 0.008% (7/89912) of European chromosomes by gnomAD (. Preliminary results from an vitro functional study provide some evidence that this variant decreases phosphorylation compared to the wild type (Ehlermann 2008 PMID:18957093); however, the clinical significance of this is uncertain. Computational prediction tools and conservation analyses suggest that this variant may impact the protein, though this information is not predictive enough to determine pathogenicity. In summary, the clinical significance of this variant is uncertain. ACMG/AMP Criteria applied: PP3.

Center for Advanced Laboratory Medicine, UC San Diego Health, University of California San Diego
Classification: Uncertain significance for Long QT Syndrome. Last evaluated: 2018-05-08. Review status: criteria provided, single submitter. Criteria: ACMG Guidelines, 2015. Collection method: clinical testing. Allele origin: germline. Affected: yes. Observed: 1 variant allele.

Genetics and Genomics Program, Sidra Medicine
Classification: Uncertain significance for Primary dilated cardiomyopathy. Review status: criteria provided, single submitter. Criteria: ACMG Guidelines, 2015. Collection method: research. Allele origin: unknown. Affected: yes. Observed: 1 variant allele.

Literature cited by the submitters: PubMed 16715312 (cited by 5 submitters); PubMed 20458009 (cited by 4 submitters); PubMed 20624503 (cited by 4 submitters); PubMed 20800588 (cited by Labcorp Genetics (formerly Invitae), Labcorp); PubMed 23140321 (cited by Labcorp Genetics (formerly Invitae), Labcorp and Laboratory for Molecular Medicine, Mass General Brigham Personalized Medicine); PubMed 27532257 (cited by 4 submitters); PubMed 28771489 (cited by 4 submitters); PubMed 37652022 (cited by Labcorp Genetics (formerly Invitae), Labcorp); PubMed 18957093 (cited by 4 submitters); PubMed 20215591 (cited by Laboratory for Molecular Medicine, Mass General Brigham Personalized Medicine).